The following is an entry in ClinVar:

ClinVar aggregate classification (germline): Likely benign. Review status: criteria provided, multiple submitters, no conflicts (2 of 4 stars). 2 submissions from 2 submitters: Likely benign (2). Last evaluated 2025-11-25.

Conditions:
POLD1-related polyposis and colorectal cancer syndrome (CRCS10). Also called: Colorectal cancer 10; COLORECTAL CANCER, SUSCEPTIBILITY TO, ON CHROMOSOME 19q; Colorectal cancer, susceptibility to, 10. Identifiers: Orphanet 220460, MedGen C2675481, MONDO:0012953, OMIM 612591.

Submissions (2):

Dasa
Classification: Likely benign. Last evaluated: 2025-11-25. Review status: criteria provided, single submitter. Criteria: DASA Assertion Criteria. Collection method: clinical testing. Allele origin: germline.
Comment: NM_002691.4(POLD1):c.841-8G>A is a splice-region variant predicted to affect normal RNA splicing. Multiple computational predictions suggest no deleterious effect on the gene or gene product. The variant is present at low frequency in population datasets. Based on the available data, this variant is classified as likely benign.

Myriad Genetics, Inc.
Classification: Likely benign for POLD1-related polyposis and colorectal cancer syndrome. Last evaluated: 2025-02-04. Review status: criteria provided, single submitter. Criteria: Myriad Autosomal Dominant, Autosomal Recessive and X-Linked Classification Criteria (2023). Collection method: clinical testing. Allele origin: unknown.
Comment: This variant is considered likely benign. This variant is intronic and is not expected to impact mRNA splicing.

NM_002691.4(POLD1):c.841-8G>A

Gene: POLD1 (DNA polymerase delta 1, catalytic subunit; plus strand). Cytogenetic location: 19q13.33.
Variant type: single nucleotide variant.
Coding change: c.841-8G>A on transcript NM_002691.4 (MANE Select); 8 bases into the intron before coding-DNA position 841, G replaced by A.
Molecular consequence: intron variant.
Genome position (GRCh38, 1-based): chr19:50,402,604, G>A. VCF-style: chr19-50402604-G-A. GRCh37 (hg19) VCF-style: chr19-50905861-G-A.
Other names: c.841-8G>A (NM_001256849.1, NM_001308632.1).
Identifiers: ClinVar variation 3904281 (VCV003904281.2).